The following is an entry in ClinVar:

NM_000834.5(GRIN2B):c.136G>A (p.Asp46Asn)

Gene: GRIN2B (glutamate ionotropic receptor NMDA type subunit 2B; minus strand). Cytogenetic location: 12p13.1.
Variant type: single nucleotide variant.
Coding change: c.136G>A on transcript NM_000834.5 (MANE Select); coding-DNA position 136, G replaced by A.
Protein change: p.Asp46Asn; replaces aspartic acid 46 with asparagine.
Molecular consequence: missense variant.
Genome position (GRCh38, 1-based): chr12:13,866,073, C>T on the plus strand (G>A on the coding strand, the complement: GRIN2B is on the minus strand). VCF-style: chr12-13866073-C-T. GRCh37 (hg19) VCF-style: chr12-14019007-C-T.
Other names: c.136G>A (NM_000834.4); short protein forms D46N.
Identifiers: ClinVar variation 1026067 (VCV001026067.11), dbSNP rs370809599, ClinGen allele CA6461456.

ClinVar aggregate classification (germline): Uncertain significance. Review status: criteria provided, multiple submitters, no conflicts (2 of 4 stars). 2 submissions from 2 submitters: Uncertain significance (2). Last evaluated 2023-10-27.

Conditions:
Developmental and epileptic encephalopathy, 27 (DEE27). Also called: GRIN2B-Related Neurodevelopmental Disorder; Epileptic encephalopathy, early infantile, 27. Identifiers: Orphanet 3451, MedGen C4015316, MONDO:0014505, OMIM 616139.
Intellectual developmental disorder, autosomal dominant 6, with or without seizures. Also called: Intellectual disability, autosomal dominant 6; GRIN2B-related developmental delay, intellectual disability and autism spectrum disorder. Identifiers: Orphanet 589547, MedGen C3151411, MONDO:0013509, OMIM 613970.

Allele frequency attached by ClinVar (database versions not stated): gnomAD exomes 0.00001; ExAC 0.00001; TOPMed 0.00001; ESP Exome Variant Server 0.00008.
gnomAD v4.1: 10 of 1,614,024 alleles (0.00062%); highest among the groups gnomAD compares: East Asian, 0.0022%; no homozygotes.

Submissions (2):

Labcorp Genetics (formerly Invitae), Labcorp
Classification: Uncertain significance for Developmental and epileptic encephalopathy, 27; Intellectual developmental disorder, autosomal dominant 6, with or without seizures. Last evaluated: 2023-10-27. Review status: criteria provided, single submitter. Criteria: Invitae Variant Classification Sherloc (09022015). Collection method: clinical testing. Allele origin: germline.
Comment: This sequence change replaces aspartic acid, which is acidic and polar, with asparagine, which is neutral and polar, at codon 46 of the GRIN2B protein (p.Asp46Asn). This variant is present in population databases (rs370809599, gnomAD 0.003%). This variant has not been reported in the literature in individuals affected with GRIN2B-related conditions. ClinVar contains an entry for this variant (Variation ID: 1026067). Advanced modeling of protein sequence and biophysical properties (such as structural, functional, and spatial information, amino acid conservation, physicochemical variation, residue mobility, and thermodynamic stability) performed at Invitae indicates that this missense variant is not expected to disrupt GRIN2B protein function with a negative predictive value of 95%. In summary, the available evidence is currently insufficient to determine the role of this variant in disease. Therefore, it has been classified as a Variant of Uncertain Significance.

Revvity Omics, Revvity
Classification: Uncertain significance. Last evaluated: 2022-04-19. Review status: criteria provided, single submitter. Criteria: ACMG Guidelines, 2015. Collection method: clinical testing. Allele origin: germline.